The following is an entry in ClinVar:

ClinVar aggregate classification (germline): Likely benign. Review status: criteria provided, multiple submitters, no conflicts (2 of 4 stars). 2 submissions from 2 submitters: Likely benign (2). Last evaluated 2024-06-25.

Allele frequency attached by ClinVar (database versions not stated): gnomAD 0.00001; ExAC 0.00015.
gnomAD v4.1: 25 of 1,552,592 alleles (0.0016%); highest among the groups gnomAD compares: South Asian, 0.019%; 1 homozygote.

Submissions (2):

Labcorp Genetics (formerly Invitae), Labcorp
Classification: Likely benign. Last evaluated: 2024-06-25. Review status: criteria provided, single submitter. Criteria: Invitae Variant Classification Sherloc (09022015). Collection method: clinical testing. Allele origin: germline.

CeGaT Center for Human Genetics Tuebingen
Classification: Likely benign. Last evaluated: 2024-01-01. Review status: criteria provided, single submitter. Criteria: CeGaT Center For Human Genetics Tuebingen Variant Classification Criteria Version 2. Collection method: clinical testing. Allele origin: germline. Affected: yes. Observed: 1 variant allele.
Comment: NDUFA13: BP4, BP7

NM_015965.7(NDUFA13):c.306C>T (p.Pro102=)

Gene: NDUFA13 (NADH:ubiquinone oxidoreductase subunit A13; plus strand). Cytogenetic location: 19p13.11.
Variant type: single nucleotide variant.
Coding change: c.306C>T on transcript NM_015965.7 (MANE Select); coding-DNA position 306, C replaced by T.
Protein change: p.Pro102=; no amino-acid change (proline 102 retained).
Molecular consequence: synonymous variant.
Genome position (GRCh38, 1-based): chr19:19,527,761, C>T. VCF-style: chr19-19527761-C-T. GRCh37 (hg19) VCF-style: chr19-19638570-C-T.
Identifiers: ClinVar variation 3026405 (VCV003026405.24), dbSNP rs751939200, ClinGen allele CA9327791.